The following is an entry in ClinVar:

NM_181523.3(PIK3R1):c.65T>C (p.Ile22Thr)

Gene: PIK3R1 (phosphoinositide-3-kinase regulatory subunit 1; plus strand). Cytogenetic location: 5q13.1.
Variant type: single nucleotide variant.
Coding change: c.65T>C on transcript NM_181523.3 (MANE Select); coding-DNA position 65, T replaced by C.
Protein change: p.Ile22Thr; replaces isoleucine 22 with threonine.
Molecular consequence: missense variant.
Genome position (GRCh38, 1-based): chr5:68,226,740, T>C. VCF-style: chr5-68226740-T-C. GRCh37 (hg19) VCF-style: chr5-67522568-T-C.
Other names: short protein forms I22T.
Identifiers: ClinVar variation 463166 (VCV000463166.8), dbSNP rs150689648, ClinGen allele CA3289928.

ClinVar aggregate classification (germline): Uncertain significance. Review status: criteria provided, multiple submitters, no conflicts (2 of 4 stars). 2 submissions from 2 submitters: Uncertain significance (2). Last evaluated 2025-10-21.

Conditions:
Agammaglobulinemia 7, autosomal recessive (AGM7). Also called: AGAMMAGLOBULINEMIA, AUTOSOMAL RECESSIVE, DUE TO PIK3R1 DEFECT. Identifiers: MedGen C3554689, MONDO:0014083, OMIM 615214.
SHORT syndrome. Also called: SHORT STATURE, HYPEREXTENSIBILITY, HERNIA, OCULAR DEPRESSION, RIEGER ANOMALY, AND TEETHING DELAY; LIPODYSTROPHY, PARTIAL, WITH RIEGER ANOMALY AND SHORT STATURE; PIK3R1-Related SHORT Syndrome. Identifiers: Orphanet 3163, MedGen C0878684, MONDO:0010026, OMIM 269880.
Immunodeficiency 36 with lymphoproliferation. Also called: Activated PI3K Delta Syndrome Type 2 (APDS2); ACTIVATED PI3K-DELTA SYNDROME 2; Immunodeficiency 36. Identifiers: Orphanet 397596, Orphanet 693681, MedGen C4014934, MONDO:0014453, OMIM 616005.

Allele frequency attached by ClinVar (database versions not stated): ExAC 0.00001; gnomAD 0.00001; gnomAD exomes 0.00001 and 0.00003; TOPMed 0.00001; ESP Exome Variant Server 0.00008.
gnomAD v4.1: 44 of 1,614,028 alleles (0.0027%); highest among the groups gnomAD compares: Non-Finnish European, 0.0032%; no homozygotes.

Submissions (2):

Labcorp Genetics (formerly Invitae), Labcorp
Classification: Uncertain significance for SHORT syndrome; Immunodeficiency 36 with lymphoproliferation; Agammaglobulinemia 7, autosomal recessive. Last evaluated: 2025-10-21. Review status: criteria provided, single submitter. Criteria: Invitae Variant Classification Sherloc (09022015). Collection method: clinical testing. Allele origin: germline.
Comment: This sequence change replaces isoleucine, which is neutral and non-polar, with threonine, which is neutral and polar, at codon 22 of the PIK3R1 protein (p.Ile22Thr). This variant is present in population databases (rs150689648, gnomAD 0.0009%). This missense change has been observed in individual(s) with clinical features of PIK3R1-related disorders (PMID: 35753512). ClinVar contains an entry for this variant (Variation ID: 463166). An algorithm developed to predict the effect of missense changes on protein structure and function (PolyPhen-2) suggests that this variant is likely to be disruptive. In summary, the available evidence is currently insufficient to determine the role of this variant in disease. Therefore, it has been classified as a Variant of Uncertain Significance.

Department of Pathology and Laboratory Medicine, Sinai Health System
Classification: Uncertain significance for SHORT syndrome; Agammaglobulinemia 7, autosomal recessive; Immunodeficiency 36 with lymphoproliferation. Last evaluated: 2021-07-30. Review status: criteria provided, single submitter. Criteria: ACMG Guidelines, 2015. Collection method: research. Allele origin: germline.

Literature cited by the submitters: PubMed 35753512 (cited by Labcorp Genetics (formerly Invitae), Labcorp).